The following is an entry in ClinVar:

ClinVar aggregate classification (germline): Uncertain significance (1 of 4 stars; one submission).

gnomAD v4.1: 2 of 1,613,360 alleles (0.00012%); highest among the groups gnomAD compares: Non-Finnish European, 0.00017%; no homozygotes.

Submission:

GeneDx
Classification: Uncertain significance. Last evaluated: 2024-02-07. Review status: criteria provided, single submitter. Criteria: GeneDx Variant Classification Process June 2021. Collection method: clinical testing. Allele origin: germline. Affected: yes.
Comment: Not observed at significant frequency in large population cohorts (gnomAD); In silico analysis supports that this missense variant does not alter protein structure/function; Has not been previously published as pathogenic or benign to our knowledge; Substitution predicted to be within the extracellular loop between the S5 and S6 transmembrane segments of the first homologous domain

NM_001040142.2(SCN2A):c.880T>C (p.Ser294Pro)

Gene: SCN2A (sodium voltage-gated channel alpha subunit 2; plus strand). Cytogenetic location: 2q24.3.
Variant type: single nucleotide variant.
Coding change: c.880T>C on transcript NM_001040142.2 (MANE Select); coding-DNA position 880, T replaced by C.
Protein change: p.Ser294Pro; replaces serine 294 with proline.
Molecular consequence: missense variant.
Genome position (GRCh38, 1-based): chr2:165,310,505, T>C. VCF-style: chr2-165310505-T-C. GRCh37 (hg19) VCF-style: chr2-166167015-T-C.
Other names: c.880T>C, p.Ser294Pro (NM_001040143.2, NM_001371246.1, NM_001371247.1 and 1 more transcripts); short protein forms S294P.
Identifiers: ClinVar variation 3368967 (VCV003368967.1).
Genomic context (GRCh38, chr2:165,310,505, plus strand): 5'-CTACGAAATAAATGTTTGCAATGGCCTCCAGATAATTCTTCCTTTGAAATAAATATCACT[T>C]CCTTCTTTAACAATTCATTGGATGGGAATGGTACTACTTTCAATAGGACAGTGAGCATAT-3'
Protein context (NP_001035232.1, residues 284-304): DNSSFEINIT[Ser294Pro]FFNNSLDGNG